The following is an entry in ClinVar:

ClinVar aggregate classification (germline): Uncertain significance (1 of 4 stars; one submission).

Conditions:
CC2D2A-related disorder. Also called: CC2D2A-related condition; CC2D2A-related disorders. Identifiers: MedGen CN239313.

gnomAD v4.1: 3 of 1,608,848 alleles (0.00019%); highest among the groups gnomAD compares: South Asian, 0.0033%; no homozygotes.

Submission:

PreventionGenetics, part of Exact Sciences
Classification: Uncertain significance for CC2D2A-related condition. Last evaluated: 2026-05-08. Review status: criteria provided, single submitter. Criteria: ACMG Guidelines, 2015. Collection method: clinical testing. Allele origin: germline.
Comment: The CC2D2A c.4031T>G variant is predicted to result in the amino acid substitution p.Phe1344Cys. To our knowledge, this variant has not been reported in the literature or in a large population database, indicating this variant is rare. At this time, the clinical significance of this variant is uncertain due to the absence of conclusive functional and genetic evidence.

NM_001378615.1(CC2D2A):c.4031T>G (p.Phe1344Cys)

Genes: CC2D2A (coiled-coil and C2 domain containing 2A; plus strand), FBXL5 (F-box and leucine rich repeat protein 5; minus strand). Cytogenetic location: 4p15.32.
Variant type: single nucleotide variant.
Coding change: c.4031T>G on transcript NM_001378615.1 (MANE Select); coding-DNA position 4031, T replaced by G.
Protein change: p.Phe1344Cys; replaces phenylalanine 1344 with cysteine.
Molecular consequence: missense variant.
Genome position (GRCh38, 1-based): chr4:15,586,212, T>G. VCF-style: chr4-15586212-T-G. GRCh37 (hg19) VCF-style: chr4-15587835-T-G.
Other names: c.4031T>G, p.Phe1344Cys (NM_001080522.2); c.3884T>G, p.Phe1295Cys (NM_001378617.1); short protein forms F1344C, F1295C.
Identifiers: ClinVar variation 4988846 (VCV004988846.1).